The following is an entry in ClinVar:

NM_206933.4(USH2A):c.10318del (p.Ile3440fs)

Gene: USH2A (usherin; minus strand). Cytogenetic location: 1q41.
Variant type: Deletion.
Coding change: c.10318del on transcript NM_206933.4 (MANE Select); coding-DNA position 10318, one base deleted (A; older notation c.10318delA).
Protein change: p.Ile3440fs; shifts the reading frame from isoleucine 3440.
Molecular consequence: frameshift variant.
Genome position (GRCh38, 1-based): chr1:215,786,739, T deleted on the plus strand (A on the coding strand, the reverse complement: USH2A is on the minus strand); the first of 2 consecutive T bases (chr1:215,786,739-215,786,740); deleting either gives the same sequence. VCF-style (leftmost placement, unchanged base first): chr1-215786738-AT-A. GRCh37 (hg19) VCF-style: chr1-215960080-AT-A.
Other names: c.10318delA (NM_206933.2); short protein forms I3440fs.
Identifiers: ClinVar variation 645735 (VCV000645735.9), dbSNP rs1553261898, ClinGen allele CA529002364.

ClinVar aggregate classification (germline): Pathogenic/Likely pathogenic. Review status: criteria provided, multiple submitters, no conflicts (2 of 4 stars). 3 submissions from 3 submitters: Pathogenic (1); Likely pathogenic (2). Last evaluated 2024-03-01.

Conditions:
Retinitis pigmentosa 39 (RP39). Identifiers: Orphanet 791, MedGen C3151138, MONDO:0013436, OMIM 613809.

Submissions (3):

Labcorp Genetics (formerly Invitae), Labcorp
Classification: Pathogenic. Last evaluated: 2024-03-01. Review status: criteria provided, single submitter. Criteria: Invitae Variant Classification Sherloc (09022015). Collection method: clinical testing. Allele origin: germline.
Comment: This sequence change creates a premature translational stop signal (p.Ile3440Leufs*17) in the USH2A gene. It is expected to result in an absent or disrupted protein product. Loss-of-function variants in USH2A are known to be pathogenic (PMID: 10729113, 10909849, 20507924, 25649381). This variant is present in population databases (no rsID available, gnomAD 0.003%). This variant has not been reported in the literature in individuals affected with USH2A-related conditions. ClinVar contains an entry for this variant (Variation ID: 645735). For these reasons, this variant has been classified as Pathogenic.

Genome-Nilou Lab
Classification: Likely pathogenic for Retinitis pigmentosa 39. Last evaluated: 2023-11-04. Review status: criteria provided, single submitter. Criteria: ACMG Guidelines, 2015. Collection method: clinical testing. Allele origin: germline. Affected: no.

Ocular Genomics Institute, Massachusetts Eye and Ear
Classification: Likely pathogenic for Retinitis pigmentosa 39. Last evaluated: 2021-04-08. Review status: criteria provided, single submitter. Criteria: ACMG Guidelines, 2015. Collection method: research. Allele origin: germline. Affected: yes.
Comment: Through a review of available evidence we were able to apply the following criteria: PVS1, PM2. Based on this evidence we have classified this variant as Likely pathogenic.

Literature cited by the submitters: PubMed 10729113 (cited by Labcorp Genetics (formerly Invitae), Labcorp); PubMed 10909849 (cited by Labcorp Genetics (formerly Invitae), Labcorp); PubMed 20507924 (cited by Labcorp Genetics (formerly Invitae), Labcorp); PubMed 25649381 (cited by Labcorp Genetics (formerly Invitae), Labcorp).